The following is an entry in ClinVar:

ClinVar aggregate classification (germline): Uncertain significance (1 of 4 stars; one submission).

gnomAD v4.1: 9 of 1,207,427 alleles (0.00075%); highest among the groups gnomAD compares: African/African-American, 0.016%; no homozygotes.

Submission:

Dasa
Classification: Uncertain significance. Last evaluated: 2025-12-31. Review status: criteria provided, single submitter. Criteria: DASA Assertion Criteria. Collection method: clinical testing. Allele origin: germline.
Comment: NM_020922.5(WNK3):c.5356A>T (p.Thr1786Ser) is a missense variant that results in the substitution of threonine with serine. This variant is rare in population databases. Computational prediction algorithms are consistent with a benign effect. The currently available literature and clinical evidence are not sufficient to establish a definitive association between this variant and the reported condition. Therefore, this variant is classified as a variant of uncertain significance.

NM_020922.5(WNK3):c.5356A>T (p.Thr1786Ser)

Gene: WNK3 (WNK lysine deficient protein kinase 3; minus strand). Cytogenetic location: Xp11.22.
Variant type: single nucleotide variant.
Coding change: c.5356A>T on transcript NM_020922.5 (MANE Select); coding-DNA position 5356, A replaced by T.
Protein change: p.Thr1786Ser; replaces threonine 1786 with serine.
Molecular consequence: missense variant.
Genome position (GRCh38, 1-based): chrX:54,198,371, T>A on the plus strand (A>T on the coding strand, the complement: WNK3 is on the minus strand). VCF-style: chrX-54198371-T-A. GRCh37 (hg19) VCF-style: chrX-54224804-T-A.
Other names: c.5185A>T, p.Thr1729Ser (NM_001002838.4, NM_001395166.1); short protein forms T1729S, T1786S.
Identifiers: ClinVar variation 4882416 (VCV004882416.2).